The following is an entry in ClinVar:

NM_181552.4(CUX1):c.508A>G (p.Asn170Asp)

Gene: CUX1 (cut like homeobox 1; plus strand). Cytogenetic location: 7q22.1.
Variant type: single nucleotide variant.
Coding change: c.508A>G on transcript NM_181552.4 (MANE Select); coding-DNA position 508, A replaced by G.
Protein change: p.Asn170Asp; replaces asparagine 170 with aspartic acid.
Molecular consequence: missense variant.
Genome position (GRCh38, 1-based): chr7:102,104,437, A>G. VCF-style: chr7-102104437-A-G. GRCh37 (hg19) VCF-style: chr7-101747717-A-G.
Other names: c.541A>G, p.Asn181Asp (NM_001202543.2, NM_001913.5, NM_181500.4); c.493A>G, p.Asn165Asp (NM_001202544.3); c.403A>G, p.Asn135Asp (NM_001202545.3); c.430A>G, p.Asn144Asp (NM_001202546.3); short protein forms N135D, N144D, N165D, N170D, N181D.
Identifiers: ClinVar variation 3371528 (VCV003371528.1).

ClinVar aggregate classification (germline): Uncertain significance (1 of 4 stars; one submission).

Submission:

GeneDx
Classification: Uncertain significance. Last evaluated: 2024-03-26. Review status: criteria provided, single submitter. Criteria: GeneDx Variant Classification Process June 2021. Collection method: clinical testing. Allele origin: germline. Affected: yes.
Comment: Not observed at significant frequency in large population cohorts (gnomAD); In silico analysis supports that this missense variant has a deleterious effect on protein structure/function; Has not been previously published as pathogenic or benign to our knowledge.